The following is an entry in ClinVar:

NM_001111.5(ADAR):c.1108A>G (p.Asn370Asp)

Gene: ADAR (adenosine deaminase RNA specific; minus strand). Cytogenetic location: 1q21.3.
Variant type: single nucleotide variant.
Coding change: c.1108A>G on transcript NM_001111.5 (MANE Select); coding-DNA position 1108, A replaced by G.
Protein change: p.Asn370Asp; replaces asparagine 370 with aspartic acid.
Molecular consequence: missense variant.
Genome position (GRCh38, 1-based): chr1:154,601,534, T>C on the plus strand (A>G on the coding strand, the complement: ADAR is on the minus strand). VCF-style: chr1-154601534-T-C. GRCh37 (hg19) VCF-style: chr1-154574010-T-C.
Other names: c.223A>G, p.Asn75Asp (NM_001025107.3, NM_001193495.2, NM_001365046.1 and 3 more transcripts); c.1135A>G, p.Asn379Asp (NM_001365045.1); c.1108A>G, p.Asn370Asp (NM_015840.4, NM_015841.4); short protein forms N370D, N379D, N75D.
Identifiers: ClinVar variation 1721343 (VCV001721343.5), dbSNP rs2526653449, ClinGen allele CA342598647.

ClinVar aggregate classification (germline): Uncertain significance (1 of 4 stars; one submission).

Conditions:
Aicardi-Goutieres syndrome 6 (AGS6). Identifiers: Orphanet 51, MedGen C3539013, MONDO:0014007, OMIM 615010.
Symmetrical dyschromatosis of extremities (DSH). Also called: RETICULATE ACROPIGMENTATION OF DOHI; SYMMETRIC DYSCHROMATOSIS OF THE EXTREMITIES; Dyschromatosis symmetrica hereditaria; DYSCHROMATOSIS SYMMETRICA HEREDITARIA 1. Identifiers: Orphanet 41, MedGen C0406775, MONDO:0007483, OMIM 127400.

Submission:

Labcorp Genetics (formerly Invitae), Labcorp
Classification: Uncertain significance for Aicardi-Goutieres syndrome 6; Symmetrical dyschromatosis of extremities. Last evaluated: 2022-10-09. Review status: criteria provided, single submitter. Criteria: Invitae Variant Classification Sherloc (09022015). Collection method: clinical testing. Allele origin: germline.
Comment: Advanced modeling of protein sequence and biophysical properties (such as structural, functional, and spatial information, amino acid conservation, physicochemical variation, residue mobility, and thermodynamic stability) performed at Invitae indicates that this missense variant is not expected to disrupt ADAR protein function. In summary, the available evidence is currently insufficient to determine the role of this variant in disease. Therefore, it has been classified as a Variant of Uncertain Significance. This variant has not been reported in the literature in individuals affected with ADAR-related conditions. This variant is not present in population databases (gnomAD no frequency). This sequence change replaces asparagine, which is neutral and polar, with aspartic acid, which is acidic and polar, at codon 370 of the ADAR protein (p.Asn370Asp).